The following is an entry in ClinVar:

NM_000213.5(ITGB4):c.265-2A>G

Gene: ITGB4 (integrin subunit beta 4; plus strand). Cytogenetic location: 17q25.1.
Variant type: single nucleotide variant.
Coding change: c.265-2A>G on transcript NM_000213.5 (MANE Select); the canonical splice acceptor site of the intron before coding-DNA position 265, A replaced by G.
Molecular consequence: splice acceptor variant.
Genome position (GRCh38, 1-based): chr17:75,727,649, A>G. VCF-style: chr17-75727649-A-G. GRCh37 (hg19) VCF-style: chr17-73723730-A-G.
Other names: c.265-2A>G (NM_001005619.2, NM_001005731.3, NM_001438834.1 and 1 more transcripts).
Identifiers: ClinVar variation 2730070 (VCV002730070.3), dbSNP rs2545721960, ClinGen allele CA401038752.

ClinVar aggregate classification (germline): Likely pathogenic (1 of 4 stars; one submission).

Submission:

Labcorp Genetics (formerly Invitae), Labcorp
Classification: Likely pathogenic. Last evaluated: 2023-06-27. Review status: criteria provided, single submitter. Criteria: Invitae Variant Classification Sherloc (09022015). Collection method: clinical testing. Allele origin: germline.
Comment: In summary, the currently available evidence indicates that the variant is pathogenic, but additional data are needed to prove that conclusively. Therefore, this variant has been classified as Likely Pathogenic. Algorithms developed to predict the effect of sequence changes on RNA splicing suggest that this variant may disrupt the consensus splice site. This variant has not been reported in the literature in individuals affected with ITGB4-related conditions. This variant is not present in population databases (gnomAD no frequency). This sequence change affects an acceptor splice site in intron 4 of the ITGB4 gene. It is expected to disrupt RNA splicing. Variants that disrupt the donor or acceptor splice site typically lead to a loss of protein function (PMID: 16199547), and loss-of-function variants in ITGB4 are known to be pathogenic (PMID: 11328943, 16473856).

Literature cited by the submitters: PubMed 16199547; PubMed 11328943; PubMed 16473856.